The following is an entry in ClinVar:

ClinVar aggregate classification (germline): Uncertain significance (1 of 4 stars; one submission).

Conditions:
Leukocyte adhesion deficiency 1 (LAD1). Also called: LEUKOCYTE ADHESION DEFICIENCY, TYPE I; LAD 1; Lymphocyte function-associated antigen 1 immunodeficiency; LFA 1 immunodeficiency. Identifiers: Orphanet 2968, Orphanet 99842, MedGen C0398738, MONDO:0007293, OMIM 116920.

Allele frequency attached by ClinVar (database versions not stated): gnomAD 0.00001; TOPMed 0.00002.
gnomAD v4.1: 14 of 1,614,008 alleles (0.00087%); highest among the groups gnomAD compares: East Asian, 0.0067%; no homozygotes.

Submission:

Labcorp Genetics (formerly Invitae), Labcorp
Classification: Uncertain significance for Leukocyte adhesion deficiency 1. Last evaluated: 2022-08-16. Review status: criteria provided, single submitter. Criteria: Invitae Variant Classification Sherloc (09022015). Collection method: clinical testing. Allele origin: germline.
Comment: This sequence change replaces arginine, which is basic and polar, with tryptophan, which is neutral and slightly polar, at codon 34 of the ITGB2 protein (p.Arg34Trp). This variant is present in population databases (rs775878305, gnomAD 0.02%). This variant has not been reported in the literature in individuals affected with ITGB2-related conditions. ClinVar contains an entry for this variant (Variation ID: 1013868). Algorithms developed to predict the effect of missense changes on protein structure and function (SIFT, PolyPhen-2, Align-GVGD) all suggest that this variant is likely to be disruptive. In summary, the available evidence is currently insufficient to determine the role of this variant in disease. Therefore, it has been classified as a Variant of Uncertain Significance.

NM_000211.5(ITGB2):c.100C>T (p.Arg34Trp)

Gene: ITGB2 (integrin subunit beta 2; minus strand). Cytogenetic location: 21q22.3.
Variant type: single nucleotide variant.
Coding change: c.100C>T on transcript NM_000211.5 (MANE Select); coding-DNA position 100, C replaced by T.
Protein change: p.Arg34Trp; replaces arginine 34 with tryptophan.
Molecular consequence: missense variant. On other transcripts: 5 prime UTR variant (1).
Genome position (GRCh38, 1-based): chr21:44,910,331, G>A on the plus strand (C>T on the coding strand, the complement: ITGB2 is on the minus strand). VCF-style: chr21-44910331-G-A. GRCh37 (hg19) VCF-style: chr21-46330246-G-A.
Other names: c.100C>T, p.Arg34Trp (NM_001127491.3); c.-108C>T (NM_001303238.2); short protein forms R34W.
Identifiers: ClinVar variation 1013868 (VCV001013868.6), dbSNP rs775878305, ClinGen allele CA10063403.
Genomic context (GRCh38, chr21:44,910,331, plus strand): 5'-AGGAGGCACTTACCAGCTTCTGGCACCAGGTGCAGCCGGGCCCCGACTCGATGCATTCCC[G>A]GCAGCTGCTGACCTTGAACTTCGTGCACTCCTGAGAGAGGACTGAGGGACGAGGCCGGCT-3'
Protein context (NP_000202.3, residues 24-44): ECTKFKVSSC[Arg34Trp]ECIESGPGCT